The following is an entry in ClinVar:

ClinVar aggregate classification (germline): Likely benign. Review status: reviewed by expert panel (3 of 4 stars). 10 submissions from 10 submitters: Likely benign (1). 9 of the submissions do not count toward it. Last evaluated 2017-06-29.

Conditions:
Hereditary cancer-predisposing syndrome. Also called: Tumor predisposition; Hereditary Cancer Syndrome; Neoplastic Syndromes, Hereditary; Hereditary neoplastic syndrome. Identifiers: Orphanet 140162, MedGen C0027672, MeSH D009386, MONDO:0015356.
Hereditary breast ovarian cancer syndrome. Also called: Breast and ovarian cancer; Hereditary breast and ovarian cancer; Hereditary breast and ovarian cancer syndrome; Hereditary breast and/or ovarian cancer syndrome; BRCA1- and BRCA2-Associated Hereditary Breast and Ovarian Cancer; Hereditary breast and ovarian cancer syndrome (HBOC). Identifiers: Orphanet 145, MedGen C0677776, MeSH D061325, MONDO:0003582. Disease mechanism: loss of function.
Breast-ovarian cancer, familial, susceptibility to, 1 (BROVCA1). Also called: BRCA1 Hereditary Breast and Ovarian Cancer; OVARIAN CANCER, SUSCEPTIBILITY TO. Identifiers: Orphanet 145, MedGen C2676676, MONDO:0011450, OMIM 604370. Disease mechanism: loss of function.
Fanconi anemia, complementation group S (FANCS). Identifiers: MedGen C4554406, MONDO:0054748, OMIM 617883.

Allele frequency attached by ClinVar (database versions not stated): gnomAD 0.00001; gnomAD exomes 0.00002; ExAC 0.00004; 1000 Genomes Project 30x 0.00016; 1000 Genomes Project 0.00020.
gnomAD v4.1: 30 of 1,614,170 alleles (0.0019%); highest among the groups gnomAD compares: South Asian, 0.031%; no homozygotes.

Submissions (10):

Evidence-based Network for the Interpretation of Germline Mutant Alleles (ENIGMA)
Classification: Likely benign for Breast-ovarian cancer, familial, susceptibility to, 1. Last evaluated: 2017-06-29. Review status: reviewed by expert panel. Criteria: ENIGMA BRCA1/2 Classification Criteria (2017-06-29). Collection method: curation. Allele origin: germline.
Comment: Synonymous substitution variant, with low bioinformatic likelihood to result in a splicing aberration (Splicing prior probability 0.02).

Labcorp Genetics (formerly Invitae), Labcorp
Classification: Likely benign for Hereditary breast ovarian cancer syndrome. Last evaluated: 2026-01-05. Review status: criteria provided, single submitter. Criteria: Invitae Variant Classification Sherloc (09022015). Collection method: clinical testing. Allele origin: germline. Not counted in ClinVar's aggregate classification.

Quest Diagnostics Nichols Institute San Juan Capistrano
Classification: Likely benign. Last evaluated: 2025-09-26. Review status: criteria provided, single submitter. Criteria: Quest Diagnostics criteria. Collection method: clinical testing. Allele origin: unknown. Not counted in ClinVar's aggregate classification.

All of Us Research Program, National Institutes of Health
Classification: Likely benign for Breast-ovarian cancer, familial, susceptibility to, 1. Last evaluated: 2023-12-13. Review status: criteria provided, single submitter. Criteria: ACMG Guidelines, 2015. Collection method: clinical testing. Allele origin: germline. Inheritance: Autosomal dominant inheritance. Observed: 2 variant alleles, 2 heterozygotes. Not counted in ClinVar's aggregate classification.
Comment: This study involves interpretation of variants in research participants for the purpose of population health screening. Participant phenotype was not available at the time of variant classification. Additional details can be found in publication PMID: 35346344, PMCID: PMC8962531

KCCC/NGS Laboratory, Kuwait Cancer Control Center
Classification: Likely benign for Breast-ovarian cancer, familial, susceptibility to, 1. Last evaluated: 2023-07-07. Review status: criteria provided, single submitter. Criteria: ACMG Guidelines, 2015. Collection method: clinical testing. Allele origin: germline. Affected: yes. Not counted in ClinVar's aggregate classification.

Blueprint Genetics
Classification: Likely benign. Last evaluated: 2023-02-10. Review status: criteria provided, single submitter. Criteria: ACMG Guidelines, 2015. Collection method: clinical testing. Allele origin: germline. Not counted in ClinVar's aggregate classification.

Department of Pathology and Laboratory Medicine, Sinai Health System
Classification: Likely benign for Fanconi anemia, complementation group S. Last evaluated: 2022-05-26. Review status: criteria provided, single submitter. Criteria: ACMG Guidelines, 2015. Collection method: clinical testing. Allele origin: germline. Affected: no. Not counted in ClinVar's aggregate classification.

Color Diagnostics, LLC DBA Color Health
Classification: Likely benign for Hereditary cancer-predisposing syndrome. Last evaluated: 2018-09-25. Review status: criteria provided, single submitter. Criteria: ACMG Guidelines, 2015. Collection method: clinical testing. Allele origin: germline. Not counted in ClinVar's aggregate classification.

Ambry Genetics
Classification: Likely benign for Hereditary cancer-predisposing syndrome. Last evaluated: 2015-09-16. Review status: criteria provided, single submitter. Criteria: Ambry Variant Classification Scheme 2023. Collection method: clinical testing. Allele origin: germline. Not counted in ClinVar's aggregate classification.

GeneDx
Classification: Benign. Last evaluated: 2015-03-03. Review status: criteria provided, single submitter. Criteria: GeneDx Variant Classification Process June 2021. Collection method: clinical testing. Allele origin: germline. Affected: yes. Not counted in ClinVar's aggregate classification.

NM_007294.4(BRCA1):c.3612A>G (p.Arg1204=)

Genes: BRCA1 (BRCA1 DNA repair associated; minus strand), LOC126862571 (BRD4-independent group 4 enhancer GRCh37_chr17:41243136-41244335; plus strand). Cytogenetic location: 17q21.31.
Variant type: single nucleotide variant.
Coding change: c.3612A>G on transcript NM_007294.4 (MANE Select); coding-DNA position 3612, A replaced by G.
Protein change: p.Arg1204=; no amino-acid change (arginine 1204 retained).
Molecular consequence: synonymous variant. On other transcripts: intron variant (135).
Genome position (GRCh38, 1-based): chr17:43,091,919, T>C on the plus strand (A>G on the coding strand, the complement: BRCA1 is on the minus strand). VCF-style: chr17-43091919-T-C. GRCh37 (hg19) VCF-style: chr17-41243936-T-C.
Other names: c.3612A>G (NM_007300.3); c.3399A>G, p.Arg1133= (NM_001407571.1, NM_001407853.1, NM_001407894.1 and 9 more transcripts); c.3612A>G, p.Arg1204= (NM_001407581.1, NM_001407582.1, NM_001407583.1 and 30 more transcripts); c.3609A>G, p.Arg1203= (NM_001407587.1, NM_001407590.1, NM_001407591.1 and 22 more transcripts); c.3603A>G, p.Arg1201= (NM_001407646.1, NM_001407647.1); c.3489A>G, p.Arg1163= (NM_001407648.1, NM_001407664.1, NM_001407665.1 and 19 more transcripts); c.3486A>G, p.Arg1162= (NM_001407649.1, NM_001407670.1, NM_001407671.1 and 11 more transcripts); c.3534A>G, p.Arg1178= (NM_001407653.1, NM_001407654.1, NM_001407655.1 and 4 more transcripts); and 42 more.
Identifiers: ClinVar variation 234011 (VCV000234011.28), dbSNP rs537737635, ClinGen allele CA059349.
Genomic context (GRCh38, chr17:43,091,919, plus strand): 5'-GGGAAGCTCTTCATCCTCACTAGATAAGTTCTCTTCTGAGGACTCTAATTTCTTGGCCCC[T>C]CTTCGGTAACCCTGAGCCAAATGTGTATGGGTGAAAGGGCTAGGACTCCTGCTAAGCTCT-3'
Protein context (NP_009225.1, residues 1194-1214): THTHLAQGYR[Arg1204=]GAKKLESSEE